The following is an entry in ClinVar:

NM_001035.3(RYR2):c.14590+4A>G

Gene: RYR2 (ryanodine receptor 2; plus strand). Cytogenetic location: 1q43.
Variant type: single nucleotide variant.
Coding change: c.14590+4A>G on transcript NM_001035.3 (MANE Select); 4 bases into the intron after coding-DNA position 14590, A replaced by G.
Molecular consequence: intron variant.
Genome position (GRCh38, 1-based): chr1:237,819,196, A>G. VCF-style: chr1-237819196-A-G. GRCh37 (hg19) VCF-style: chr1-237982496-A-G.
Identifiers: ClinVar variation 2964215 (VCV002964215.1), dbSNP rs1662157569, ClinGen allele CA2487497605.

ClinVar aggregate classification (germline): Uncertain significance (1 of 4 stars; one submission).

Conditions:
Catecholaminergic polymorphic ventricular tachycardia 1. Also called: VENTRICULAR TACHYCARDIA, CATECHOLAMINERGIC POLYMORPHIC, 1, WITH OR WITHOUT ATRIAL DYSFUNCTION AND/OR DILATED CARDIOMYOPATHY; RYR2-Related Catecholaminergic Polymorphic Ventricular Tachycardia; VENTRICULAR TACHYCARDIA, STRESS-INDUCED POLYMORPHIC 1. Identifiers: Orphanet 3286, MedGen C1631597, MONDO:0011484, OMIM 604772.

Allele frequency attached by ClinVar (database versions not stated): TOPMed below 0.00001.

Submission:

Labcorp Genetics (formerly Invitae), Labcorp
Classification: Uncertain significance for Catecholaminergic polymorphic ventricular tachycardia 1. Last evaluated: 2023-04-09. Review status: criteria provided, single submitter. Criteria: Invitae Variant Classification Sherloc (09022015). Collection method: clinical testing. Allele origin: germline.
Comment: This sequence change falls in intron 101 of the RYR2 gene. It does not directly change the encoded amino acid sequence of the RYR2 protein. It affects a nucleotide within the consensus splice site. In summary, the available evidence is currently insufficient to determine the role of this variant in disease. Therefore, it has been classified as a Variant of Uncertain Significance. Variants that disrupt the consensus splice site are a relatively common cause of aberrant splicing (PMID: 17576681, 9536098). Algorithms developed to predict the effect of sequence changes on RNA splicing suggest that this variant is not likely to affect RNA splicing. This variant has not been reported in the literature in individuals affected with RYR2-related conditions. This variant is not present in population databases (gnomAD no frequency).

Literature cited by the submitters: PubMed 17576681; PubMed 9536098.